The following is an entry in ClinVar:

NM_001458.5(FLNC):c.2293G>A (p.Glu765Lys)

Gene: FLNC (filamin C; plus strand). Cytogenetic location: 7q32.1.
Variant type: single nucleotide variant.
Coding change: c.2293G>A on transcript NM_001458.5 (MANE Select); coding-DNA position 2293, G replaced by A.
Protein change: p.Glu765Lys; replaces glutamic acid 765 with lysine.
Molecular consequence: missense variant.
Genome position (GRCh38, 1-based): chr7:128,842,602, G>A. VCF-style: chr7-128842602-G-A. GRCh37 (hg19) VCF-style: chr7-128482656-G-A.
Other names: c.2293G>A, p.Glu765Lys (NM_001127487.2); short protein forms E765K.
Identifiers: ClinVar variation 425425 (VCV000425425.55), dbSNP rs373798394, ClinGen allele CA4474681.
Genomic context (GRCh38, chr7:128,842,602, plus strand): 5'-GGGCACCACGCTGAGCTGCGACCCCTCCCGCAGGTGAACGTGGGCGAGGGCAGCCACCCC[G>A]AGCGGGTAAAGGTGTACGGCCCCGGAGTGGAGAAGACAGGCCTCAAGGCCAATGAGCCCA-3'
Protein context (NP_001449.3, residues 755-775): RVNVGEGSHP[Glu765Lys]RVKVYGPGVE

ClinVar aggregate classification (germline): Uncertain significance. Review status: criteria provided, multiple submitters, no conflicts (2 of 4 stars). 4 submissions from 4 submitters: Uncertain significance (4). Last evaluated 2025-10-13.

Conditions:
Cardiovascular phenotype. Identifiers: MedGen CN230736.
Myofibrillar myopathy 5. Also called: FILAMINOPATHY, AUTOSOMAL DOMINANT; Filaminopathy (type). Identifiers: Orphanet 171445, MedGen C1836050, MONDO:0012289, OMIM 609524.
Distal myopathy with posterior leg and anterior hand involvement. Also called: WILLIAMS DISTAL MYOPATHY. Identifiers: Orphanet 63273, MedGen C3279722, MONDO:0013550, OMIM 614065.
Hypertrophic cardiomyopathy 26. Also called: Cardiomyopathy, familial hypertrophic, 26. Identifiers: Orphanet 75249, MedGen C4310749, MONDO:0014883, OMIM 617047.

Allele frequency attached by ClinVar (database versions not stated): gnomAD 0.00001; gnomAD exomes 0.00001; TOPMed 0.00001; ExAC 0.00005; ESP Exome Variant Server 0.00009.
gnomAD v4.1: 68 of 1,549,694 alleles (0.0044%); highest among the groups gnomAD compares: Non-Finnish European, 0.0056%; no homozygotes.

Submissions (4):

Labcorp Genetics (formerly Invitae), Labcorp
Classification: Uncertain significance for Distal myopathy with posterior leg and anterior hand involvement; Myofibrillar myopathy 5; Hypertrophic cardiomyopathy 26. Last evaluated: 2025-10-13. Review status: criteria provided, single submitter. Criteria: Invitae Variant Classification Sherloc (09022015). Collection method: clinical testing. Allele origin: germline.
Comment: This sequence change replaces glutamic acid, which is acidic and polar, with lysine, which is basic and polar, at codon 765 of the FLNC protein (p.Glu765Lys). This variant is present in population databases (rs373798394, gnomAD 0.002%). This variant has not been reported in the literature in individuals affected with FLNC-related conditions. ClinVar contains an entry for this variant (Variation ID: 425425). Invitae Evidence Modeling of protein sequence and biophysical properties (such as structural, functional, and spatial information, amino acid conservation, physicochemical variation, residue mobility, and thermodynamic stability) has been performed for this missense variant. However, the output from this modeling did not meet the statistical confidence thresholds required to predict the impact of this variant on FLNC protein function. In summary, the available evidence is currently insufficient to determine the role of this variant in disease. Therefore, it has been classified as a Variant of Uncertain Significance.

Ambry Genetics
Classification: Uncertain significance for Cardiovascular phenotype. Last evaluated: 2025-03-09. Review status: criteria provided, single submitter. Criteria: Ambry Variant Classification Scheme 2023. Collection method: clinical testing. Allele origin: germline.
Comment: The p.E765K variant (also known as c.2293G>A), located in coding exon 15 of the FLNC gene, results from a G to A substitution at nucleotide position 2293. The glutamic acid at codon 765 is replaced by lysine, an amino acid with similar properties. This amino acid position is conserved. In addition, the in silico prediction for this alteration is inconclusive. Since supporting evidence is limited at this time, the clinical significance of this alteration remains unclear.

CeGaT Center for Human Genetics Tuebingen
Classification: Uncertain significance. Last evaluated: 2023-02-01. Review status: criteria provided, single submitter. Criteria: CeGaT Center For Human Genetics Tuebingen Variant Classification Criteria Version 2. Collection method: clinical testing. Allele origin: germline. Affected: yes. Observed: 2 variant alleles.
Comment: FLNC: PM2

Revvity Omics, Revvity
Classification: Uncertain significance. Last evaluated: 2020-03-25. Review status: criteria provided, single submitter. Criteria: ACMG Guidelines, 2015. Collection method: clinical testing. Allele origin: germline.